The following is an entry in ClinVar:

NM_001792.5(CDH2):c.173-22589C>T

Gene: CDH2 (cadherin 2; minus strand). Cytogenetic location: 18q12.1.
Variant type: single nucleotide variant.
Coding change: c.173-22589C>T on transcript NM_001792.5 (MANE Select); 22589 bases into the intron before coding-DNA position 173, C replaced by T.
Molecular consequence: intron variant. On other transcripts: synonymous variant (1).
Genome position (GRCh38, 1-based): chr18:28,036,498, G>A on the plus strand (C>T on the coding strand, the complement: CDH2 is on the minus strand). VCF-style: chr18-28036498-G-A. GRCh37 (hg19) VCF-style: chr18-25616462-G-A.
Other names: c.51C>T, p.Asn17= (NM_001308176.2); c.51C>T (NM_001308176.1).
Identifiers: ClinVar variation 2648628 (VCV002648628.27), dbSNP rs55858602, ClinGen allele CA8923786.
Genomic context (GRCh38, chr18:28,036,498, plus strand): 5'-TGTTATGGAATGAATAAGGCAATTTTTGTTACCTGAAAGGAAAACATACAATTCTGCTTG[G>A]TTCTTTAATTTCTCAGTGAAGATACACACATAACGCCTTAATAAAAACATGCCATCAAGT-3'

ClinVar aggregate classification (germline): Benign/Likely benign. Review status: criteria provided, multiple submitters, no conflicts (2 of 4 stars). 4 submissions from 4 submitters: Benign (1); Likely benign (2). 1 of the submissions does not count toward it. Last evaluated 2026-01-01.

Conditions:
CDH2-related disorder. Also called: CDH2-related condition.

Allele frequency attached by ClinVar (database versions not stated): 1000 Genomes Project 0.00120; 1000 Genomes Project 30x 0.00125; TOPMed 0.00151; gnomAD 0.00160; ExAC 0.00195; ESP Exome Variant Server 0.00314.
gnomAD v4.1: 3,823 of 1,599,414 alleles (0.24%); highest among the groups gnomAD compares: Non-Finnish European, 0.3%; 6 homozygotes.

Submissions (4):

CeGaT Center for Human Genetics Tuebingen
Classification: Likely benign. Last evaluated: 2026-01-01. Review status: criteria provided, single submitter. Criteria: CeGaT Center For Human Genetics Tuebingen Variant Classification Criteria Version 2. Collection method: clinical testing. Allele origin: germline. Affected: yes. Observed: 7 variant alleles.
Comment: CDH2: BP4, BP7

Molecular Diagnostic Laboratory for Inherited Cardiovascular Disease, Montreal Heart Institute
Classification: Benign. Last evaluated: 2025-04-09. Review status: criteria provided, single submitter. Criteria: ACMG Guidelines, 2015. Collection method: clinical testing. Allele origin: germline. Affected: no.

Blueprint Genetics
Classification: Likely benign. Last evaluated: 2024-11-14. Review status: criteria provided, single submitter. Criteria: ACMG Guidelines, 2015. Collection method: clinical testing. Allele origin: germline.

PreventionGenetics, part of Exact Sciences
Classification: Likely benign for CDH2-related condition. Last evaluated: 2019-03-27. Review status: no assertion criteria provided. Collection method: clinical testing. Allele origin: germline. Not counted in ClinVar's aggregate classification.
Comment: This variant is classified as likely benign based on ACMG/AMP sequence variant interpretation guidelines (Richards et al. 2015 PMID: 25741868, with internal and published modifications).